The following is an entry in ClinVar:

ClinVar aggregate classification (germline): Pathogenic (1 of 4 stars; one submission).

Allele frequency attached by ClinVar (database versions not stated): gnomAD exomes below 0.00001; ExAC 0.00001; ESP Exome Variant Server 0.00008.

Submission:

Labcorp Genetics (formerly Invitae), Labcorp
Classification: Pathogenic. Last evaluated: 2024-08-09. Review status: criteria provided, single submitter. Criteria: Invitae Variant Classification Sherloc (09022015). Collection method: clinical testing. Allele origin: germline.
Comment: This sequence change creates a premature translational stop signal (p.Tyr103*) in the COL9A1 gene. It is expected to result in an absent or disrupted protein product. Loss-of-function variants in COL9A1 are known to be pathogenic (PMID: 16909383, 21421862). This variant is present in population databases (rs372763803, gnomAD 0.0009%). This variant has not been reported in the literature in individuals affected with COL9A1-related conditions. ClinVar contains an entry for this variant (Variation ID: 942715). For these reasons, this variant has been classified as Pathogenic.

Literature cited by the submitters: PubMed 16909383; PubMed 21421862.

NM_001851.6(COL9A1):c.309T>A (p.Tyr103Ter)

Gene: COL9A1 (collagen type IX alpha 1 chain; minus strand). Cytogenetic location: 6q13.
Variant type: single nucleotide variant.
Coding change: c.309T>A on transcript NM_001851.6 (MANE Select); coding-DNA position 309, T replaced by A.
Protein change: p.Tyr103Ter; replaces tyrosine 103 with a stop codon.
Molecular consequence: nonsense.
Genome position (GRCh38, 1-based): chr6:70,294,554, A>T on the plus strand (T>A on the coding strand, the complement: COL9A1 is on the minus strand). VCF-style: chr6-70294554-A-T. GRCh37 (hg19) VCF-style: chr6-71004257-A-T.
Other names: c.309T>A, p.Tyr103Ter (NM_001377291.1); short protein forms Y103*.
Identifiers: ClinVar variation 942715 (VCV000942715.7), dbSNP rs372763803, ClinGen allele CA3882845.